The following is an entry in ClinVar:

NM_000092.5(COL4A4):c.3506-8T>G

Gene: COL4A4 (collagen type IV alpha 4 chain; minus strand). Cytogenetic location: 2q36.3.
Variant type: single nucleotide variant.
Coding change: c.3506-8T>G on transcript NM_000092.5 (MANE Select); 8 bases into the intron before coding-DNA position 3506, T replaced by G.
Molecular consequence: intron variant.
Genome position (GRCh38, 1-based): chr2:227,033,489, A>C on the plus strand (T>G on the coding strand, the complement: COL4A4 is on the minus strand). VCF-style: chr2-227033489-A-C. GRCh37 (hg19) VCF-style: chr2-227898205-A-C.
Identifiers: ClinVar variation 447187 (VCV000447187.12), dbSNP rs761588725, ClinGen allele CA2144504.
Genomic context (GRCh38, chr2:227,033,489, plus strand): 5'-TTTCTGACCTTTCAATCCATGCAAGCCGTTCAGGCCAGGTGATCCGGAGGGACCTGAAAA[A>C]CACCACAGGCCTGTGACCCAAAGGAAGACCAGCCACCGGTACTCACTCTAGCCACAAACG-3'

ClinVar aggregate classification (germline): Conflicting classifications of pathogenicity. Review status: criteria provided, conflicting classifications (1 of 4 stars). 3 submissions from 3 submitters: Uncertain significance (2); Likely benign (1). Last evaluated 2025-10-14.

Conditions:
COL4A4-related disorder.

Allele frequency attached by ClinVar (database versions not stated): gnomAD exomes below 0.00001 and 0.00001; ExAC 0.00001; gnomAD 0.00001.
gnomAD v4.1: 6 of 1,611,952 alleles (0.00037%); highest among the groups gnomAD compares: Admixed American, 0.005%; no homozygotes.

Submissions (3):

Labcorp Genetics (formerly Invitae), Labcorp
Classification: Likely benign. Last evaluated: 2025-10-14. Review status: criteria provided, single submitter. Criteria: Invitae Variant Classification Sherloc (09022015). Collection method: clinical testing. Allele origin: germline.

PreventionGenetics, part of Exact Sciences
Classification: Uncertain significance for COL4A4-related condition. Last evaluated: 2025-08-19. Review status: criteria provided, single submitter. Criteria: ACMG Guidelines, 2015. Collection method: clinical testing. Allele origin: germline.
Comment: The COL4A4 c.3506-8T>G variant is predicted to interfere with splicing. This variant has been reported in individuals with COL4A4-related disorders (Šlajpah et al. 2007. PubMed ID: 17396119; Pleško et al. 2025. doi: 10.1016/j.xkme.2025.101077). In one individual, whole-transcriptome analysis indicated loss of the nearby exon 38; however, this variant was not experimentally confirmed to cause exon skipping (Pleško et al. 2025. doi: 10.1016/j.xkme.2025.101077), and available splicing prediction programs do not indicate a significant impact on splicing (SpliceAI, Jaganathan et al. 2019. PubMed ID: 30661751). This variant is reported in 0.0058% of alleles in individuals of Latino descent in gnomAD. At this time, the clinical significance of this variant is uncertain due to the absence of conclusive functional and genetic evidence.

Athena Diagnostics
Classification: Uncertain significance. Last evaluated: 2017-06-26. Review status: criteria provided, single submitter. Criteria: Athena Diagnostics Criteria. Collection method: clinical testing. Allele origin: germline.

Literature cited by the submitters: PubMed 17396119 (cited by Athena Diagnostics).